The following is an entry in ClinVar:

ClinVar aggregate classification (germline): Uncertain significance (1 of 4 stars; one submission).

Allele frequency attached by ClinVar (database versions not stated): gnomAD exomes 0.00001.
gnomAD v4.1: 31 of 1,614,020 alleles (0.0019%); highest among the groups gnomAD compares: Non-Finnish European, 0.0024%; no homozygotes.

Submission:

Labcorp Genetics (formerly Invitae), Labcorp
Classification: Uncertain significance. Last evaluated: 2020-06-08. Review status: criteria provided, single submitter. Criteria: Invitae Variant Classification Sherloc (09022015). Collection method: clinical testing. Allele origin: germline.
Comment: In summary, the available evidence is currently insufficient to determine the role of this variant in disease. Therefore, it has been classified as a Variant of Uncertain Significance. Algorithms developed to predict the effect of sequence changes on RNA splicing suggest that this variant may create or strengthen a splice site, but this prediction has not been confirmed by published transcriptional studies. Algorithms developed to predict the effect of missense changes on protein structure and function are either unavailable or do not agree on the potential impact of this missense change (SIFT: "Tolerated"; PolyPhen-2: "Probably Damaging"; Align-GVGD: "Class C0"). This variant has not been reported in the literature in individuals with SZT2-related conditions. This variant is not present in population databases (ExAC no frequency). This sequence change replaces isoleucine with valine at codon 1385 of the SZT2 protein (p.Ile1385Val). The isoleucine residue is highly conserved and there is a small physicochemical difference between isoleucine and valine.

NM_001365999.1(SZT2):c.4324A>G (p.Ile1442Val)

Gene: SZT2 (SZT2 subunit of KICSTOR complex; plus strand). Cytogenetic location: 1p34.2.
Variant type: single nucleotide variant.
Coding change: c.4324A>G on transcript NM_001365999.1 (MANE Select); coding-DNA position 4324, A replaced by G.
Protein change: p.Ile1442Val; replaces isoleucine 1442 with valine.
Molecular consequence: missense variant.
Genome position (GRCh38, 1-based): chr1:43,430,026, A>G. VCF-style: chr1-43430026-A-G. GRCh37 (hg19) VCF-style: chr1-43895697-A-G.
Other names: c.4153A>G, p.Ile1385Val (NM_015284.4); short protein forms I1385V, I1442V.
Identifiers: ClinVar variation 1016034 (VCV001016034.7), dbSNP rs769387963, ClinGen allele CA340020798.